The following is an entry in ClinVar:

NM_005228.5(EGFR):c.252G>C (p.Glu84Asp)

Gene: EGFR (epidermal growth factor receptor; plus strand). Cytogenetic location: 7p11.2.
Variant type: single nucleotide variant.
Coding change: c.252G>C on transcript NM_005228.5 (MANE Select); coding-DNA position 252, G replaced by C.
Protein change: p.Glu84Asp; replaces glutamic acid 84 with aspartic acid.
Molecular consequence: missense variant. On other transcripts: intron variant (1).
Genome position (GRCh38, 1-based): chr7:55,143,316, G>C. VCF-style: chr7-55143316-G-C. GRCh37 (hg19) VCF-style: chr7-55211009-G-C.
Other names: c.252G>C, p.Glu84Asp (NM_001346897.2, NM_001346898.2, NM_001346899.2 and 3 more transcripts); c.93G>C, p.Glu31Asp (NM_001346900.2); c.89-12514G>C (NM_001346941.2); short protein forms E84D, E31D.
Identifiers: ClinVar variation 953674 (VCV000953674.8), dbSNP rs1282801317, ClinGen allele CA367575643.

ClinVar aggregate classification (germline): Uncertain significance. Review status: criteria provided, multiple submitters, no conflicts (2 of 4 stars). 2 submissions from 2 submitters: Uncertain significance (2). Last evaluated 2025-06-06.

Conditions:
EGFR-related lung cancer (EGFR). Identifiers: MedGen CN130014.
Hereditary cancer-predisposing syndrome. Also called: Hereditary neoplastic syndrome; Tumor predisposition; Neoplastic Syndromes, Hereditary; Hereditary Cancer Syndrome. Identifiers: Orphanet 140162, MedGen C0027672, MeSH D009386, MONDO:0015356.

Allele frequency attached by ClinVar (database versions not stated): gnomAD exomes below 0.00001.
gnomAD v4.1: 3 of 1,614,218 alleles (0.00019%); highest among the groups gnomAD compares: South Asian, 0.0022%; no homozygotes.

Submissions (2):

Ambry Genetics
Classification: Uncertain significance for Hereditary cancer-predisposing syndrome. Last evaluated: 2025-06-06. Review status: criteria provided, single submitter. Criteria: Ambry Variant Classification Scheme 2023. Collection method: clinical testing. Allele origin: germline.
Comment: The p.E84D variant (also known as c.252G>C), located in coding exon 3 of the EGFR gene, results from a G to C substitution at nucleotide position 252. The glutamic acid at codon 84 is replaced by aspartic acid, an amino acid with highly similar properties. This amino acid position is highly conserved in available vertebrate species. In addition, the in silico prediction for this alteration is inconclusive. Based on the available evidence, the clinical significance of this variant remains unclear.

Labcorp Genetics (formerly Invitae), Labcorp
Classification: Uncertain significance for EGFR-related lung cancer. Last evaluated: 2021-10-31. Review status: criteria provided, single submitter. Criteria: Invitae Variant Classification Sherloc (09022015). Collection method: clinical testing. Allele origin: germline.
Comment: This variant is present in population databases (no rsID available, gnomAD 0.003%). In summary, the available evidence is currently insufficient to determine the role of this variant in disease. Therefore, it has been classified as a Variant of Uncertain Significance. Algorithms developed to predict the effect of missense changes on protein structure and function (SIFT, PolyPhen-2, Align-GVGD) all suggest that this variant is likely to be disruptive. ClinVar contains an entry for this variant (Variation ID: 953674). This variant has not been reported in the literature in individuals affected with EGFR-related conditions. This sequence change replaces glutamic acid, which is acidic and polar, with aspartic acid, which is acidic and polar, at codon 84 of the EGFR protein (p.Glu84Asp).